The following is an entry in ClinVar:

NM_001048174.2(MUTYH):c.1410G>A (p.Gln470=)

Gene: MUTYH (mutY DNA glycosylase; minus strand). Cytogenetic location: 1p34.1.
Variant type: single nucleotide variant.
Coding change: c.1410G>A on transcript NM_001048174.2 (MANE Select); coding-DNA position 1410, G replaced by A.
Protein change: p.Gln470=; no amino-acid change (glutamine 470 retained).
Molecular consequence: synonymous variant. On other transcripts: non-coding transcript variant (7).
Genome position (GRCh38, 1-based): chr1:45,330,540, C>T on the plus strand (G>A on the coding strand, the complement: MUTYH is on the minus strand). VCF-style: chr1-45330540-C-T. GRCh37 (hg19) VCF-style: chr1-45796212-C-T.
Other names: c.1410G>A, p.Gln470= (NM_001048171.2, NM_001048173.2, NM_001293195.2 and 6 more transcripts); c.1413G>A, p.Gln471= (NM_001048172.2, NM_001407071.1, NM_001407078.1 and 1 more transcripts); c.1494G>A, p.Gln498= (NM_001128425.2); c.1455G>A, p.Gln485= (NM_001293190.2); c.1443G>A, p.Gln481= (NM_001293191.2, NM_001407069.1, NM_001407077.1); c.1134G>A, p.Gln378= (NM_001293192.2, NM_001293196.2, NM_001407091.1); c.1065G>A, p.Gln355= (NM_001350650.2, NM_001350651.2, NM_001407082.1); c.1326G>A, p.Gln442= (NM_001407075.1); and 5 more.
Identifiers: ClinVar variation 2773677 (VCV002773677.2), dbSNP rs587782794, ClinGen allele CA417702023.

ClinVar aggregate classification (germline): Uncertain significance (1 of 4 stars; one submission).

Conditions:
Hereditary cancer-predisposing syndrome. Also called: Hereditary neoplastic syndrome; Hereditary Cancer Syndrome; Neoplastic Syndromes, Hereditary; Tumor predisposition. Identifiers: Orphanet 140162, MedGen C0027672, MeSH D009386, MONDO:0015356.

gnomAD v4.1: 1 of 1,609,542 alleles (0.000062%); highest among the groups gnomAD compares: East Asian, 0.0022%; no homozygotes.

Submission:

Color Diagnostics, LLC DBA Color Health
Classification: Uncertain significance for Hereditary cancer-predisposing syndrome. Last evaluated: 2023-06-26. Review status: criteria provided, single submitter. Criteria: ACMG Guidelines, 2015. Collection method: clinical testing. Allele origin: germline.
Comment: This variant is located in the MUTYH protein. To our knowledge, functional studies have not been reported for this variant. This variant has not been reported in individuals affected with MUTYH-related disorders in the literature. This variant has not been identified in the general population by the Genome Aggregation Database (gnomAD). The available evidence is insufficient to determine the role of this variant in disease conclusively. Therefore, this variant is classified as a Variant of Uncertain Significance.